The following is an entry in ClinVar:

ClinVar aggregate classification (germline): Benign. Review status: criteria provided, multiple submitters, no conflicts (2 of 4 stars). 2 submissions from 2 submitters: Benign (2). Last evaluated 2026-02-02.

Conditions:
Knobloch syndrome (KNO). Also called: RETINAL DETACHMENT AND OCCIPITAL ENCEPHALOCELE; Myopia retinal detachment encephalocele. Identifiers: Orphanet 1571, MedGen C1849409, MONDO:0800166.

Allele frequency attached by ClinVar (database versions not stated): ESP Exome Variant Server 0.01041; TOPMed 0.01265; 1000 Genomes Project 0.01418; 1000 Genomes Project 30x 0.01468.
gnomAD v4.1: 3,429 of 1,533,192 alleles (0.22%); highest among the groups gnomAD compares: African/African-American, 4%; 84 homozygotes.

Submissions (2):

Labcorp Genetics (formerly Invitae), Labcorp
Classification: Benign. Last evaluated: 2026-02-02. Review status: criteria provided, single submitter. Criteria: Invitae Variant Classification Sherloc (09022015). Collection method: clinical testing. Allele origin: germline.

Illumina Laboratory Services, Illumina
Classification: Benign for Knobloch syndrome 1. Last evaluated: 2018-01-13. Review status: criteria provided, single submitter. Criteria: ICSL Variant Classification Criteria 13 December 2019. Collection method: clinical testing. Allele origin: germline.
Comment: This variant was observed in the ICSL laboratory as part of a predisposition screen in an ostensibly healthy population. It had not been previously curated by ICSL or reported in the Human Gene Mutation Database (HGMD: prior to June 1st, 2018), and was therefore a candidate for classification through an automated scoring system. Utilizing variant allele frequency, disease prevalence and penetrance estimates, and inheritance mode, an automated score was calculated to assess if this variant is too frequent to cause the disease. Based on the score and internal cut-off values, a variant classified as benign is not then subjected to further curation. The score for this variant resulted in a classification of benign for this disease.

NM_001379500.1(COL18A1):c.1398+7C>G

Gene: COL18A1 (collagen type XVIII alpha 1 chain; plus strand). Cytogenetic location: 21q22.3.
Variant type: single nucleotide variant.
Coding change: c.1398+7C>G on transcript NM_001379500.1 (MANE Select); 7 bases into the intron after coding-DNA position 1398, C replaced by G.
Molecular consequence: intron variant.
Genome position (GRCh38, 1-based): chr21:45,480,163, C>G. VCF-style: chr21-45480163-C-G. GRCh37 (hg19) VCF-style: chr21-46900077-C-G.
Other names: NM_130445.2:c.1398+7C>G; NM_130445.3:c.1398+7C>G; c.2643+7C>G (NM_130444.3); c.1938+7C>G (NM_030582.4).
Identifiers: ClinVar variation 340220 (VCV000340220.15), dbSNP rs74439012, ClinGen allele CA10066275.